The following is an entry in ClinVar:

NM_006662.3(SRCAP):c.7507C>T (p.Pro2503Ser)

Gene: SRCAP (Snf2 related CREBBP activator protein; plus strand). Cytogenetic location: 16p11.2.
Variant type: single nucleotide variant.
Coding change: c.7507C>T on transcript NM_006662.3 (MANE Select); coding-DNA position 7507, C replaced by T.
Protein change: p.Pro2503Ser; replaces proline 2503 with serine.
Molecular consequence: missense variant.
Genome position (GRCh38, 1-based): chr16:30,737,547, C>T. VCF-style: chr16-30737547-C-T. GRCh37 (hg19) VCF-style: chr16-30748868-C-T.
Other names: short protein forms P2503S.
Identifiers: ClinVar variation 1482225 (VCV001482225.8), dbSNP rs868671814, ClinGen allele CA280523928.

ClinVar aggregate classification (germline): Uncertain significance (1 of 4 stars; one submission).

Allele frequency attached by ClinVar (database versions not stated): gnomAD exomes below 0.00001.
gnomAD v4.1: 2 of 1,613,248 alleles (0.00012%); highest among the groups gnomAD compares: Admixed American, 0.0017%; no homozygotes.

Submission:

Labcorp Genetics (formerly Invitae), Labcorp
Classification: Uncertain significance. Last evaluated: 2024-02-24. Review status: criteria provided, single submitter. Criteria: Invitae Variant Classification Sherloc (09022015). Collection method: clinical testing. Allele origin: germline.
Comment: This sequence change replaces proline, which is neutral and non-polar, with serine, which is neutral and polar, at codon 2503 of the SRCAP protein (p.Pro2503Ser). This variant is present in population databases (no rsID available, gnomAD 0.003%). This variant has not been reported in the literature in individuals affected with SRCAP-related conditions. ClinVar contains an entry for this variant (Variation ID: 1482225). Advanced modeling of protein sequence and biophysical properties (such as structural, functional, and spatial information, amino acid conservation, physicochemical variation, residue mobility, and thermodynamic stability) performed at Invitae indicates that this missense variant is not expected to disrupt SRCAP protein function with a negative predictive value of 80%. In summary, the available evidence is currently insufficient to determine the role of this variant in disease. Therefore, it has been classified as a Variant of Uncertain Significance.